The following is an entry in ClinVar:

ClinVar aggregate classification (germline): Uncertain significance (1 of 4 stars; one submission).

Allele frequency attached by ClinVar (database versions not stated): ESP Exome Variant Server 0.00008; gnomAD 0.00005; TOPMed 0.00008.
gnomAD v4.1: 11 of 1,614,034 alleles (0.00068%); highest among the groups gnomAD compares: African/African-American, 0.013%; no homozygotes.

Submission:

Labcorp Genetics (formerly Invitae), Labcorp
Classification: Uncertain significance. Last evaluated: 2025-06-12. Review status: criteria provided, single submitter. Criteria: Invitae Variant Classification Sherloc (09022015). Collection method: clinical testing. Allele origin: germline.
Comment: This sequence change replaces serine, which is neutral and polar, with isoleucine, which is neutral and non-polar, at codon 4330 of the ANK3 protein (p.Ser4330Ile). This variant is present in population databases (rs147318982, gnomAD 0.03%). This variant has not been reported in the literature in individuals affected with ANK3-related conditions. ClinVar contains an entry for this variant (Variation ID: 2885496). Invitae Evidence Modeling of protein sequence and biophysical properties (such as structural, functional, and spatial information, amino acid conservation, physicochemical variation, residue mobility, and thermodynamic stability) indicates that this missense variant is not expected to disrupt ANK3 protein function with a negative predictive value of 80%. In summary, the available evidence is currently insufficient to determine the role of this variant in disease. Therefore, it has been classified as a Variant of Uncertain Significance.

NM_020987.5(ANK3):c.12989G>T (p.Ser4330Ile)

Gene: ANK3 (ankyrin 3; minus strand). Cytogenetic location: 10q21.2.
Variant type: single nucleotide variant.
Coding change: c.12989G>T on transcript NM_020987.5 (MANE Select); coding-DNA position 12989, G replaced by T.
Protein change: p.Ser4330Ile; replaces serine 4330 with isoleucine.
Molecular consequence: missense variant.
Genome position (GRCh38, 1-based): chr10:60,055,734, C>A on the plus strand (G>T on the coding strand, the complement: ANK3 is on the minus strand). VCF-style: chr10-60055734-C-A. GRCh37 (hg19) VCF-style: chr10-61815492-C-A.
Other names: c.2861G>T, p.Ser954Ile (NM_001149.4); c.5441G>T, p.Ser1814Ile (NM_001204403.2); c.5462G>T, p.Ser1821Ile (NM_001204404.2); c.5459G>T, p.Ser1820Ile (NM_001320874.2); short protein forms S1820I, S4330I, S1814I, S1821I, S954I.
Identifiers: ClinVar variation 2885496 (VCV002885496.3), dbSNP rs147318982, ClinGen allele CA5510692.